The following is an entry in ClinVar:

ClinVar aggregate classification (germline): Uncertain significance. Review status: criteria provided, multiple submitters, no conflicts (2 of 4 stars). 3 submissions from 3 submitters: Uncertain significance (3). Last evaluated 2026-02-26.

Conditions:
FLNC-related disorder. Also called: FLNC-related condition; FLNC-related disorders.
Cardiovascular phenotype. Identifiers: MedGen CN230736.
Hypertrophic cardiomyopathy 26. Also called: Cardiomyopathy, familial hypertrophic, 26. Identifiers: Orphanet 75249, MedGen C4310749, MONDO:0014883, OMIM 617047.
Distal myopathy with posterior leg and anterior hand involvement. Also called: WILLIAMS DISTAL MYOPATHY. Identifiers: Orphanet 63273, MedGen C3279722, MONDO:0013550, OMIM 614065.
Myofibrillar myopathy 5. Also called: Filaminopathy (type); FILAMINOPATHY, AUTOSOMAL DOMINANT. Identifiers: Orphanet 171445, MedGen C1836050, MONDO:0012289, OMIM 609524.

Allele frequency attached by ClinVar (database versions not stated): gnomAD exomes 0.00001.
gnomAD v4.1: 18 of 1,612,798 alleles (0.0011%); highest among the groups gnomAD compares: Non-Finnish European, 0.0015%; no homozygotes.

Submissions (3):

PreventionGenetics, part of Exact Sciences
Classification: Uncertain significance for FLNC-related condition. Last evaluated: 2026-02-26. Review status: criteria provided, single submitter. Criteria: ACMG Guidelines, 2015. Collection method: clinical testing. Allele origin: germline.
Comment: The FLNC c.292G>C variant is predicted to result in the amino acid substitution p.Glu98Gln. To our knowledge, this variant has not been reported in the literature. This variant is reported in 0.0027% of alleles in individuals of European (Non-Finnish) descent in gnomAD. At this time, the clinical significance of this variant is uncertain due to the absence of conclusive functional and genetic evidence.

Labcorp Genetics (formerly Invitae), Labcorp
Classification: Uncertain significance for Distal myopathy with posterior leg and anterior hand involvement; Myofibrillar myopathy 5; Hypertrophic cardiomyopathy 26. Last evaluated: 2025-07-27. Review status: criteria provided, single submitter. Criteria: Invitae Variant Classification Sherloc (09022015). Collection method: clinical testing. Allele origin: germline.
Comment: This sequence change replaces glutamic acid, which is acidic and polar, with glutamine, which is neutral and polar, at codon 98 of the FLNC protein (p.Glu98Gln). This variant is present in population databases (no rsID available, gnomAD 0.003%). This variant has not been reported in the literature in individuals affected with FLNC-related conditions. ClinVar contains an entry for this variant (Variation ID: 1434978). Invitae Evidence Modeling of protein sequence and biophysical properties (such as structural, functional, and spatial information, amino acid conservation, physicochemical variation, residue mobility, and thermodynamic stability) has been performed for this missense variant. However, the output from this modeling did not meet the statistical confidence thresholds required to predict the impact of this variant on FLNC protein function. In summary, the available evidence is currently insufficient to determine the role of this variant in disease. Therefore, it has been classified as a Variant of Uncertain Significance.

Ambry Genetics
Classification: Uncertain significance for Cardiovascular phenotype. Last evaluated: 2025-05-17. Review status: criteria provided, single submitter. Criteria: Ambry Variant Classification Scheme 2023. Collection method: clinical testing. Allele origin: germline.
Comment: The p.E98Q variant (also known as c.292G>C), located in coding exon 1 of the FLNC gene, results from a G to C substitution at nucleotide position 292. The glutamic acid at codon 98 is replaced by glutamine, an amino acid with highly similar properties. This amino acid position is conserved. In addition, the in silico prediction for this alteration is inconclusive. Based on the available evidence, the clinical significance of this variant remains unclear.

NM_001458.5(FLNC):c.292G>C (p.Glu98Gln)

Gene: FLNC (filamin C; plus strand). Cytogenetic location: 7q32.1.
Variant type: single nucleotide variant.
Coding change: c.292G>C on transcript NM_001458.5 (MANE Select); coding-DNA position 292, G replaced by C.
Protein change: p.Glu98Gln; replaces glutamic acid 98 with glutamine.
Molecular consequence: missense variant.
Genome position (GRCh38, 1-based): chr7:128,830,929, G>C. VCF-style: chr7-128830929-G-C. GRCh37 (hg19) VCF-style: chr7-128470983-G-C.
Other names: c.292G>C (NM_001458.4); c.292G>C, p.Glu98Gln (NM_001127487.2); short protein forms E98Q.
Identifiers: ClinVar variation 1434978 (VCV001434978.8), dbSNP rs1195481399, ClinGen allele CA369216881.